The following is an entry in ClinVar:

ClinVar aggregate classification (germline): Uncertain significance (1 of 4 stars; one submission).

Conditions:
Neurodevelopmental disorder with coarse facies and mild distal skeletal abnormalities. Also called: STOLERMAN NEURODEVELOPMENTAL SYNDROME. Identifiers: MedGen C5193134, MONDO:0032790, OMIM 618505.

gnomAD v4.1: 3 of 1,605,220 alleles (0.00019%); highest among the groups gnomAD compares: African/African-American, 0.0027%; no homozygotes.

Submission:

OLLIN Analises Genomicas, OLLIN
Classification: Uncertain significance for Neurodevelopmental disorder with coarse facies and mild distal skeletal abnormalities. Last evaluated: 2026-08-06. Review status: criteria provided, single submitter. Criteria: ACMG Guidelines 2015 PMID 25741868. Collection method: clinical testing. Allele origin: germline. Inheritance: Autosomal dominant inheritance.
Comment: This missense variant, located in exon 12 (of 24), has been observed in gnomAD with an allele frequency of 0.00019%, but has not been reported in ClinVar or identified in the literature. In silico analysis predicts that this variant has a tolerated effect. According to the currently available evidence, this variant has been classified as uncertain significance (BP4_M).

NM_001348716.2(KDM6B):c.2267C>T (p.Thr756Ile)

Gene: KDM6B (lysine demethylase 6B; plus strand). Cytogenetic location: 17p13.1.
Variant type: single nucleotide variant.
Coding change: c.2267C>T on transcript NM_001348716.2 (MANE Select); coding-DNA position 2267, C replaced by T.
Protein change: p.Thr756Ile; replaces threonine 756 with isoleucine.
Molecular consequence: missense variant.
Genome position (GRCh38, 1-based): chr17:7,848,555, C>T. VCF-style: chr17-7848555-C-T. GRCh37 (hg19) VCF-style: chr17-7751873-C-T.
Other names: c.2267C>T, p.Thr756Ile (NM_001080424.2); short protein forms T756I.
Identifiers: ClinVar variation 5002831 (VCV005002831.1).
Genomic context (GRCh38, chr17:7,848,555, plus strand): 5'-TCCCCACCGACACAGCCCCCACCACTACTGCTCCTGCTGTCGCCGTCACCACCACCACCA[C>T]CACCACCACCACCACCACGGCCACCCAGGAAGAGGAGAAGAAGCCACCACCAGCCCTACC-3'
Protein context (NP_001335645.1, residues 746-766): APAVAVTTTT[Thr756Ile]TTTTTTATQE